The following is an entry in ClinVar:

NM_002519.3(NPAT):c.853G>T (p.Asp285Tyr)

Gene: NPAT (nuclear protein, coactivator of histone transcription; minus strand). Cytogenetic location: 11q22.3.
Variant type: single nucleotide variant.
Coding change: c.853G>T on transcript NM_002519.3 (MANE Select); coding-DNA position 853, G replaced by T.
Protein change: p.Asp285Tyr; replaces aspartic acid 285 with tyrosine.
Molecular consequence: missense variant.
Genome position (GRCh38, 1-based): chr11:108,185,285, C>A on the plus strand (G>T on the coding strand, the complement: NPAT is on the minus strand). VCF-style: chr11-108185285-C-A. GRCh37 (hg19) VCF-style: chr11-108056012-C-A.
Other names: c.853G>T, p.Asp285Tyr (NM_001321307.1); short protein forms D285Y.
Identifiers: ClinVar variation 1763787 (VCV001763787.2), dbSNP rs2496737703, ClinGen allele CA382520076.

ClinVar aggregate classification (germline): Uncertain significance (1 of 4 stars; one submission).

gnomAD v4.1: 3 of 1,612,294 alleles (0.00019%); highest among the groups gnomAD compares: Non-Finnish European, 0.00025%; no homozygotes.

Submission:

Ambry Genetics
Classification: Uncertain significance. Last evaluated: 2023-11-06. Review status: criteria provided, single submitter. Criteria: Ambry Variant Classification Scheme 2023. Collection method: clinical testing. Allele origin: germline.
Comment: The p.D285Y variant (also known as c.853G>T), located in coding exon 10 of the NPAT gene, results from a G to T substitution at nucleotide position 853. The aspartic acid at codon 285 is replaced by tyrosine, an amino acid with highly dissimilar properties. This amino acid position is conserved. In addition, this alteration is predicted to be tolerated by in silico analysis. Since supporting evidence is limited at this time, the clinical significance of this alteration remains unclear.